The following is an entry in ClinVar:

ClinVar aggregate classification (germline): Uncertain significance (1 of 4 stars; one submission).

Submission:

Labcorp Genetics (formerly Invitae), Labcorp
Classification: Uncertain significance. Last evaluated: 2021-09-03. Review status: criteria provided, single submitter. Criteria: Invitae Variant Classification Sherloc (09022015). Collection method: clinical testing. Allele origin: germline.
Comment: This variant has not been reported in the literature in individuals affected with GRIN2D-related conditions. The frequency data for this variant in the population databases is considered unreliable, as metrics indicate insufficient coverage at this position in the ExAC database. This sequence change replaces glutamic acid with glycine at codon 969 of the GRIN2D protein (p.Glu969Gly). The glutamic acid residue is weakly conserved and there is a moderate physicochemical difference between glutamic acid and glycine. In summary, the available evidence is currently insufficient to determine the role of this variant in disease. Therefore, it has been classified as a Variant of Uncertain Significance. Advanced modeling of protein sequence and biophysical properties (such as structural, functional, and spatial information, amino acid conservation, physicochemical variation, residue mobility, and thermodynamic stability) performed at Invitae indicates that this missense variant is not expected to disrupt GRIN2D protein function.

NM_000836.4(GRIN2D):c.2906A>G (p.Glu969Gly)

Gene: GRIN2D (glutamate ionotropic receptor NMDA type subunit 2D; plus strand). Cytogenetic location: 19q13.33.
Variant type: single nucleotide variant.
Coding change: c.2906A>G on transcript NM_000836.4 (MANE Select); coding-DNA position 2906, A replaced by G.
Protein change: p.Glu969Gly; replaces glutamic acid 969 with glycine.
Molecular consequence: missense variant.
Genome position (GRCh38, 1-based): chr19:48,442,832, A>G. VCF-style: chr19-48442832-A-G. GRCh37 (hg19) VCF-style: chr19-48946089-A-G.
Other names: short protein forms E969G.
Identifiers: ClinVar variation 1440209 (VCV001440209.6), dbSNP rs2147476319, ClinGen allele CA406674219.
Genomic context (GRCh38, chr19:48,442,832, plus strand): 5'-CGGGGCCGCCGGGGGGCGCGGGCCTGGCCGACGGCTTCCACCGCTACTACGGCCCCATCG[A>G]GCCGCAGGGCCTAGGCCTCGGCCTGGGCGAAGCGCGCGCGGCACCGCGGGGCGCAGCCGG-3'
Protein context (NP_000827.2, residues 959-979): DGFHRYYGPI[Glu969Gly]PQGLGLGLGE